The following is an entry in ClinVar:

ClinVar aggregate classification (germline): Pathogenic (1 of 4 stars; one submission).

Conditions:
Kindler syndrome (KNDLRS). Also called: POIKILODERMA, CONGENITAL, WITH BULLAE, WEARY TYPE; POIKILODERMA, HEREDITARY ACROKERATOTIC; BULLOUS ACROKERATOTIC POIKILODERMA OF KINDLER AND WEARY; Poikiloderma of Kindler; Congenital bullous poikiloderma; Hereditary acrokeratotic poikiloderma of Weary. Identifiers: Orphanet 2908, Orphanet 306539, MedGen C0406557, MONDO:0008260, OMIM 173650.

Submission:

Juno Genomics, Hangzhou Juno Genomics, Inc
Classification: Pathogenic for Kindler syndrome. Review status: criteria provided, single submitter. Criteria: ACMG Guidelines, 2015. Collection method: clinical testing. Allele origin: germline. Affected: yes.
Comment: Absent from controls (or at extremely low frequency if recessive) in Genome Aggregation Database, Exome Sequencing Project, 1000 Genomes Project, or Exome Aggregation Consortium.;Null variant in a gene where loss of function (LOF) is a known mechanism of disease.;For recessive disorders, detected in trans with a pathogenic variant.;Patient's phenotype or family history is highly specific for a disease with a single genetic etiology.

NM_017671.5(FERMT1):c.936del (p.Met312fs)

Gene: FERMT1 (FERM domain containing kindlin 1; minus strand). Cytogenetic location: 20p12.3.
Variant type: Deletion.
Coding change: c.936del on transcript NM_017671.5 (MANE Select); coding-DNA position 936, one base deleted (G; older notation c.936delG).
Protein change: p.Met312fs; shifts the reading frame from methionine 312.
Molecular consequence: frameshift variant.
Genome position (GRCh38, 1-based): chr20:6,097,545, C deleted on the plus strand (G on the coding strand, the reverse complement: FERMT1 is on the minus strand). VCF-style (leftmost placement, unchanged base first): chr20-6097544-AC-A. GRCh37 (hg19) VCF-style: chr20-6078191-AC-A.
Other names: short protein forms M312fs.
Identifiers: ClinVar variation 3382333 (VCV003382333.2).